The following is an entry in ClinVar:

NM_004415.4(DSP):c.13G>A (p.Gly5Arg)

Genes: DSP (desmoplakin; plus strand), DSP-AS1 (DSP antisense RNA 1; minus strand). Cytogenetic location: 6p24.3.
Variant type: single nucleotide variant.
Coding change: c.13G>A on transcript NM_004415.4 (MANE Select); coding-DNA position 13, G replaced by A.
Protein change: p.Gly5Arg; replaces glycine 5 with arginine.
Molecular consequence: missense variant.
Genome position (GRCh38, 1-based): chr6:7,541,928, G>A. VCF-style: chr6-7541928-G-A. GRCh37 (hg19) VCF-style: chr6-7542161-G-A.
Other names: c.13G>A, p.Gly5Arg (NM_001008844.3, NM_001319034.2, NM_001406591.1); short protein forms G5R.
Identifiers: ClinVar variation 4015082 (VCV004015082.3).

ClinVar aggregate classification (germline): Uncertain significance. Review status: criteria provided, multiple submitters, no conflicts (2 of 4 stars). 3 submissions from 3 submitters: Uncertain significance (3). Last evaluated 2025-07-14.

Conditions:
Cardiomyopathy (CMYO). Also called: Cardiomyopathies. Identifiers: Orphanet 167848, MedGen C0878544, MONDO:0004994, HP:0001638. Inheritance: Various modes of inheritance.
Arrhythmogenic cardiomyopathy with wooly hair and keratoderma. Also called: PALMOPLANTAR KERATODERMA WITH LEFT VENTRICULAR CARDIOMYOPATHY AND WOOLLY HAIR; Carvajal syndrome; Dilated cardiomyopathy with woolly hair and keratoderma; Arrhythmogenic cardiomyopathy with woolly hair and keratoderma. Identifiers: Orphanet 65282, MedGen C1854063, MONDO:0011581, OMIM 605676.
Arrhythmogenic right ventricular dysplasia 8 (ARVD8). Also called: ARRHYTHMOGENIC RIGHT VENTRICULAR DYSPLASIA, FAMILIAL, 8; ARRHYTHMOGENIC RIGHT VENTRICULAR CARDIOMYOPATHY 8; Arrhythmogenic Right Ventricular Dysplasia/Cardiomyopathy 8. Identifiers: MedGen C1843896, MONDO:0011831, OMIM 607450.
Cardiovascular phenotype. Identifiers: MedGen CN230736.

gnomAD v4.1: 2 of 1,609,646 alleles (0.00012%); highest among the groups gnomAD compares: African/African-American, 0.0027%; no homozygotes.

Submissions (3):

Color Diagnostics, LLC DBA Color Health
Classification: Uncertain significance for Cardiomyopathy. Last evaluated: 2025-07-14. Review status: criteria provided, single submitter. Criteria: ACMG Guidelines, 2015. Collection method: clinical testing. Allele origin: germline.
Comment: This missense variant replaces glycine with arginine at codon 5 of the DSP protein. Computational prediction suggests that this variant may not impact protein structure and function. To our knowledge, functional studies have not been reported for this variant. This variant has not been reported in individuals affected with DSP-related disorders in the literature. This variant has not been identified in the general population by the Genome Aggregation Database (gnomAD). The available evidence is insufficient to determine the role of this variant in disease conclusively. Therefore, this variant is classified as a Variant of Uncertain Significance.

Ambry Genetics
Classification: Uncertain significance for Cardiovascular phenotype. Last evaluated: 2025-03-20. Review status: criteria provided, single submitter. Criteria: Ambry Variant Classification Scheme 2023. Collection method: clinical testing. Allele origin: germline.
Comment: The p.G5R variant (also known as c.13G>A), located in coding exon 1 of the DSP gene, results from a G to A substitution at nucleotide position 13. The glycine at codon 5 is replaced by arginine, an amino acid with dissimilar properties. This amino acid position is highly conserved in available vertebrate species. In addition, the in silico prediction for this alteration is inconclusive. Based on the available evidence, the clinical significance of this variant remains unclear.

Labcorp Genetics (formerly Invitae), Labcorp
Classification: Uncertain significance for Arrhythmogenic cardiomyopathy with wooly hair and keratoderma; Arrhythmogenic right ventricular dysplasia 8. Last evaluated: 2025-03-07. Review status: criteria provided, single submitter. Criteria: Invitae Variant Classification Sherloc (09022015). Collection method: clinical testing. Allele origin: germline.
Comment: This sequence change replaces glycine, which is neutral and non-polar, with arginine, which is basic and polar, at codon 5 of the DSP protein (p.Gly5Arg). This variant is not present in population databases (gnomAD no frequency). This variant has not been reported in the literature in individuals affected with DSP-related conditions. An algorithm developed to predict the effect of missense changes on protein structure and function (PolyPhen-2) suggests that this variant is likely to be disruptive. In summary, the available evidence is currently insufficient to determine the role of this variant in disease. Therefore, it has been classified as a Variant of Uncertain Significance.